The following continues an entry in ClinVar:

NM_000535.7(PMS2):c.1882C>T (p.Arg628Ter)

Gene: PMS2. ClinVar aggregate classification (germline): Pathogenic. Pathogenic (1).

Submissions 12 to 23 of 23:

GeneDx
Classification: Pathogenic. Last evaluated: 2023-06-07. Review status: criteria provided, single submitter. Criteria: GeneDx Variant Classification Process June 2021. Collection method: clinical testing. Allele origin: germline. Affected: yes. Not counted in ClinVar's aggregate classification.
Comment: Observed in individuals with PMS2-related cancers, including those with tumor studies consistent with pathogenic variants in this gene (Hendriks et al., 2006; van Puijenbroek et al., 2008; ten Broeke et al., 2015; Suerink et al., 2016; Sugano et al., 2016); Nonsense variant predicted to result in protein truncation or nonsense mediated decay in a gene for which loss-of-function is a known mechanism of disease; Truncating variants in this gene are considered pathogenic by a well-established clinical consortium and/or database; Not observed at significant frequency in large population cohorts (gnomAD); This variant is associated with the following publications: (PMID: 25980754, 20186688, 26110232, 30217226, 28888541, 29758216, 34697415, 25512458, 16472587, 18415027, 25691505, 27589204, 27435373, 28600700, 19283792, 25525159, 30787465, 29625052)

Quest Diagnostics Nichols Institute San Juan Capistrano
Classification: Pathogenic. Last evaluated: 2023-06-07. Review status: criteria provided, single submitter. Criteria: Quest Diagnostics criteria. Collection method: clinical testing. Allele origin: unknown. Not counted in ClinVar's aggregate classification.
Comment: This variant causes the premature termination of PMS2 protein synthesis. In the published literature, this variant has been reported in individuals with colorectal cancer (PMIDs: 27589204 (2016), 27435373 (2016), 16472587 (2006)), breast cancer (PMID: 29345684 (2018)), ovarian/endometrial cancer (PMIDs: 29625052 (2018), 28888541 (2017)), and CMMRD (PMID: 27435373 (2016)). RNA analysis indicated the variant mRNA transcript is subjected to nonsense-mediated decay (PMID: 20186688 (2010)). The frequency of this variant in the general population, 0.000016 (4/251434 chromosomes (Genome Aggregation Database)), is consistent with pathogenicity. Based on the available information, this variant is classified as pathogenic.

Department of Pathology and Laboratory Medicine, Sinai Health System
Classification: Pathogenic for Lynch syndrome. Last evaluated: 2021-08-12. Review status: criteria provided, single submitter. Criteria: ACMG Guidelines, 2015. Collection method: clinical testing. Allele origin: germline. Affected: yes. Not counted in ClinVar's aggregate classification.

Revvity Omics, Revvity
Classification: Pathogenic. Last evaluated: 2021-03-03. Review status: criteria provided, single submitter. Criteria: ACMG Guidelines, 2015. Collection method: clinical testing. Allele origin: germline. Not counted in ClinVar's aggregate classification.

Sema4
Classification: Pathogenic for Hereditary cancer-predisposing syndrome. Last evaluated: 2020-08-06. Review status: criteria provided, single submitter. Criteria: Sema4 Curation Guidelines. Collection method: curation. Allele origin: germline. Not counted in ClinVar's aggregate classification.
Comment: The PMS2 c.1882C>T (p.R628X) variant has been reported in heterozygosity in at least 9 families with hereditary non-polyposis colorectal cancer (HNPCC) (PMID: 16472587, 27589204, 25512458). Functional studies have shown that this variant causes nonsense mediated decay in patient cells (PMID: 27589204) and is expected to result in an absence of the protein product. This variant was observed in 2/33582 chromosomes in the Latino population, with no homozygotes, according to the Genome Aggregation Database (PMID: 27535533). This variant has been classified as pathogenic by a ClinGen-approved expert panel. Based on the current evidence available, this variant is interpreted as pathogenic.

Women's Health and Genetics/Laboratory Corporation of America, LabCorp
Classification: Pathogenic for Lynch syndrome. Last evaluated: 2019-06-24. Review status: criteria provided, single submitter. Criteria: LabCorp Variant Classification Summary - May 2015. Collection method: clinical testing. Allele origin: germline. Not counted in ClinVar's aggregate classification.
Comment: Variant summary: PMS2 c.1882C>T (p.Arg628X) results in a premature termination codon, predicted to cause a truncation of the encoded protein or absence of the protein due to nonsense mediated decay, which are commonly known mechanisms for disease. RT-PCR analysis on RNA derived from cultured lymphocytes of patients carrying the variant demonstrated nonsense-mediated RNA decay (van der Klift_2010, 2016). The variant allele was found at a frequency of 1.6e-05 in 251434 control chromosomes (gnomAD). c.1882C>T has been reported in the literature in multiple individuals affected with Lynch Syndrome (Hendriks_2006, Sugano_2016, van der Klift_2010, 2016). These data indicate that the variant is very likely to be associated with disease. Five ClinVar submitters (evaluation after 2014) cite the variant as pathogenic. Based on the evidence outlined above, the variant was classified as pathogenic.

Clinical Genetics DNA and cytogenetics Diagnostics Lab, Erasmus MC, Erasmus Medical Center
Classification: Pathogenic for Lynch syndrome 4. Last evaluated: 2016-03-16. Review status: criteria provided, single submitter. Criteria: ACGS Guidelines, 2013. Collection method: clinical testing. Allele origin: germline. Affected: yes. Study: VKGL Data-share Consensus. Not counted in ClinVar's aggregate classification.

Genesis Genomics
Classification: Pathogenic for Lynch syndrome 4. Review status: criteria provided, single submitter. Criteria: ACMG Guidelines, 2015. Collection method: clinical testing. Allele origin: germline. Affected: no. Observed: 1 variant allele. Not counted in ClinVar's aggregate classification.

OMIM
Classification: Pathogenic for LYNCH SYNDROME 4. Last evaluated: 2006-02-01. Review status: no assertion criteria provided. Collection method: literature only. Allele origin: germline. Not counted in ClinVar's aggregate classification.

Diagnostic Laboratory, Department of Genetics, University Medical Center Groningen
Classification: Pathogenic for Lynch syndrome 4. Review status: no assertion criteria provided. Collection method: clinical testing. Allele origin: germline. Affected: yes. Study: VKGL Data-share Consensus. Not counted in ClinVar's aggregate classification.

Joint Genome Diagnostic Labs from Nijmegen and Maastricht, Radboudumc and MUMC+
Classification: Pathogenic. Review status: no assertion criteria provided. Collection method: clinical testing. Allele origin: germline. Affected: yes. Study: VKGL Data-share Consensus. Not counted in ClinVar's aggregate classification.

Laboratory of Diagnostic Genome Analysis, Leiden University Medical Center (LUMC)
Classification: Pathogenic. Review status: no assertion criteria provided. Collection method: clinical testing. Allele origin: germline. Affected: yes. Study: VKGL Data-share Consensus. Not counted in ClinVar's aggregate classification.

Literature cited by the submitters: PubMed 21376568 (cited by Labcorp Genetics (formerly Invitae), Labcorp and Dasa); PubMed 24362816 (cited by Labcorp Genetics (formerly Invitae), Labcorp); PubMed 16472587 (cited by 9 submitters); PubMed 19283792 (cited by Labcorp Genetics (formerly Invitae), Labcorp and Dasa); PubMed 25512458 (cited by 3 submitters); PubMed 26110232 (cited by 3 submitters); PubMed 27435373 (cited by 4 submitters); PubMed 27589204 (cited by 7 submitters); PubMed 18415027 (cited by Color Diagnostics, LLC DBA Color Health); PubMed 29345684 (cited by 3 submitters); PubMed 34253388 (cited by Color Diagnostics, LLC DBA Color Health); PubMed 36931573 (cited by Color Diagnostics, LLC DBA Color Health); PubMed 20186688 (cited by 3 submitters); PubMed 33693762 (cited by Ambry Genetics); PubMed 29625052 (cited by Quest Diagnostics Nichols Institute San Juan Capistrano); PubMed 28888541 (cited by Quest Diagnostics Nichols Institute San Juan Capistrano).